The following is an entry in ClinVar:

ClinVar aggregate classification (germline): Uncertain significance (1 of 4 stars; one submission).

Conditions:
Hyperphosphatasia with intellectual disability syndrome 5 (GPIBD11). Also called: GLYCOSYLPHOSPHATIDYLINOSITOL BIOSYNTHESIS DEFECT 11. Identifiers: Orphanet 247262, MedGen C4014958, MONDO:0014457, OMIM 616025.

Allele frequency attached by ClinVar (database versions not stated): gnomAD exomes below 0.00001; gnomAD 0.00001.
gnomAD v4.1: 3 of 1,614,058 alleles (0.00019%); highest among the groups gnomAD compares: African/African-American, 0.004%; no homozygotes.

Submission:

Labcorp Genetics (formerly Invitae), Labcorp
Classification: Uncertain significance for Hyperphosphatasia with intellectual disability syndrome 5. Last evaluated: 2024-02-24. Review status: criteria provided, single submitter. Criteria: Invitae Variant Classification Sherloc (09022015). Collection method: clinical testing. Allele origin: germline.
Comment: This sequence change replaces isoleucine, which is neutral and non-polar, with threonine, which is neutral and polar, at codon 219 of the PIGW protein (p.Ile219Thr). This variant is present in population databases (no rsID available, gnomAD 0.01%). This variant has not been reported in the literature in individuals affected with PIGW-related conditions. ClinVar contains an entry for this variant (Variation ID: 1413047). Advanced modeling of protein sequence and biophysical properties (such as structural, functional, and spatial information, amino acid conservation, physicochemical variation, residue mobility, and thermodynamic stability) performed at Invitae indicates that this missense variant is not expected to disrupt PIGW protein function with a negative predictive value of 80%. In summary, the available evidence is currently insufficient to determine the role of this variant in disease. Therefore, it has been classified as a Variant of Uncertain Significance.

NM_001346754.2(PIGW):c.656T>C (p.Ile219Thr)

Genes: MYO19 (myosin XIX; minus strand), PIGW (phosphatidylinositol glycan anchor biosynthesis class W; plus strand). Cytogenetic location: 17q12.
Variant type: single nucleotide variant.
Coding change: c.656T>C on transcript NM_001346754.2 (MANE Select); coding-DNA position 656, T replaced by C.
Protein change: p.Ile219Thr; replaces isoleucine 219 with threonine.
Molecular consequence: missense variant.
Genome position (GRCh38, 1-based): chr17:36,537,757, T>C. VCF-style: chr17-36537757-T-C. GRCh37 (hg19) VCF-style: chr17-34893606-T-C.
Other names: c.656T>C, p.Ile219Thr (NM_001346755.2, NM_178517.5); short protein forms I219T.
Identifiers: ClinVar variation 1413047 (VCV001413047.8), dbSNP rs1165869015, ClinGen allele CA399163142.
Genomic context (GRCh38, chr17:36,537,757, plus strand): 5'-TTACAAACTCATTGTACTCTGTTTGGCCATTAGTCTTCCTAGGAATCGGACGATTAGCCA[T>C]TATAAAATCAATAGGCTATCAGGAACATTTAACAGAGTATGGAGTTCACTGGAACTTTTT-3'
Protein context (NP_001333683.1, residues 209-229): LVFLGIGRLA[Ile219Thr]IKSIGYQEHL